The following is an entry in ClinVar:

ClinVar aggregate classification (germline): Pathogenic/Likely pathogenic. Review status: criteria provided, multiple submitters, no conflicts (2 of 4 stars). 6 submissions from 6 submitters: Pathogenic (3); Likely pathogenic (3). Last evaluated 2025-11-12.

Conditions:
Pili torti-deafness syndrome (BJS). Also called: PILI TORTI AND NERVE DEAFNESS; Bjornstad syndrome. Identifiers: Orphanet 123, MedGen C0266006, MONDO:0009872, OMIM 262000.
Inborn genetic diseases. Identifiers: MedGen C0950123, MeSH D030342.
GRACILE syndrome (FLNMS). Also called: FELLMAN SYNDROME; FINNISH LETHAL NEONATAL METABOLIC SYNDROME. Identifiers: Orphanet 53693, MedGen C1864002, MONDO:0011308, OMIM 603358.
Mitochondrial complex III deficiency nuclear type 1. Identifiers: Orphanet 254902, MedGen C3541471, MONDO:0007415, OMIM 124000.

Allele frequency attached by ClinVar (database versions not stated): gnomAD 0.00001; gnomAD exomes 0.00001 and below 0.00001; ExAC 0.00001; TOPMed 0.00006.

Submissions (6):

Labcorp Genetics (formerly Invitae), Labcorp
Classification: Pathogenic. Last evaluated: 2025-11-12. Review status: criteria provided, single submitter. Criteria: Invitae Variant Classification Sherloc (09022015). Collection method: clinical testing. Allele origin: germline.
Comment: This sequence change creates a premature translational stop signal (p.Gly233Valfs*22) in the BCS1L gene. It is expected to result in an absent or disrupted protein product. Loss-of-function variants in BCS1L are known to be pathogenic (PMID: 12215968, 17314340, 19162478, 19508421, 22277166, 25895478). This variant is present in population databases (rs775388576, gnomAD 0.009%). This variant has not been reported in the literature in individuals affected with BCS1L-related conditions. ClinVar contains an entry for this variant (Variation ID: 1028218). For these reasons, this variant has been classified as Pathogenic.

Dasa
Classification: Likely pathogenic. Last evaluated: 2025-09-17. Review status: criteria provided, single submitter. Criteria: DASA Assertion Criteria. Collection method: clinical testing. Allele origin: germline.
Comment: NM_001079866.2(BCS1L):c.696del (p.Gly233Valfs*22) is a frameshift variant in BCS1L predicted to alter the reading frame and introduce a premature termination codon and is predicted to result in an absent or altered protein product. Loss of function is an established disease mechanism for BCS1L-associated disorders. Also, this variant is rare in population databases. Based on the currently available evidence, this variant is classified as likely pathogenic.

Natera, Inc.
Classification: Likely pathogenic for GRACILE syndrome. Last evaluated: 2025-09-08. Review status: criteria provided, single submitter. Criteria: Natera Variant Classification Schema (03/2026). Collection method: clinical testing. Allele origin: germline.
Comment: The c.696delT variant in BCS1L is a frameshift variant predicted to shift the reading frame beginning at codon 233 and leads to a stop codon 22 codons downstream. This variant is expected to result in nonsense mediated decay, truncation, or a dysfunctional protein product. This variant is rare in the general population with a frequency below the threshold expected for the associated phenotype(s). Given the available evidence, this variant is classified as Likely Pathogenic.

Baylor Genetics
Classification: Pathogenic for Pili torti-deafness syndrome. Last evaluated: 2024-03-24. Review status: criteria provided, single submitter. Criteria: ACMG Guidelines, 2015. Collection method: clinical testing. Allele origin: unknown.

Fulgent Genetics
Classification: Likely pathogenic for Mitochondrial complex III deficiency nuclear type 1; Pili torti-deafness syndrome; GRACILE syndrome. Last evaluated: 2024-01-16. Review status: criteria provided, single submitter. Criteria: ACMG Guidelines, 2015. Collection method: clinical testing. Allele origin: germline.

Ambry Genetics
Classification: Pathogenic for Inborn genetic diseases. Last evaluated: 2022-07-28. Review status: criteria provided, single submitter. Criteria: Ambry Variant Classification Scheme 2023. Collection method: clinical testing. Allele origin: germline.
Comment: The c.696delT (p.G233Vfs*22) alteration, located in exon 6 (coding exon 4) of the BCS1L gene, consists of a deletion of one nucleotide at position 696, causing a translational frameshift with a predicted alternate stop codon after 22 amino acids. This alteration is expected to result in loss of function by premature protein truncation or nonsense-mediated mRNA decay. Based on the available evidence, this alteration is classified as pathogenic.

Literature cited by the submitters: PubMed 12215968 (cited by Labcorp Genetics (formerly Invitae), Labcorp); PubMed 17314340 (cited by Labcorp Genetics (formerly Invitae), Labcorp); PubMed 19162478 (cited by Labcorp Genetics (formerly Invitae), Labcorp); PubMed 19508421 (cited by Labcorp Genetics (formerly Invitae), Labcorp); PubMed 22277166 (cited by Labcorp Genetics (formerly Invitae), Labcorp); PubMed 25895478 (cited by Labcorp Genetics (formerly Invitae), Labcorp).

NM_001079866.2(BCS1L):c.696del (p.Gly233fs)

Gene: BCS1L (BCS1 ubiquinol-cytochrome c reductase complex chaperone; plus strand). Cytogenetic location: 2q35.
Variant type: Deletion.
Coding change: c.696del on transcript NM_001079866.2 (MANE Select); coding-DNA position 696, one base deleted (T; older notation c.696delT).
Protein change: p.Gly233fs; shifts the reading frame from glycine 233.
Molecular consequence: frameshift variant. On other transcripts: non-coding transcript variant (1).
Genome position (GRCh38, 1-based): chr2:218,662,237, T deleted. VCF-style (leftmost placement, unchanged base first): chr2-218662236-CT-C. GRCh37 (hg19) VCF-style: chr2-219526959-CT-C.
Other names: c.696del, p.Gly233fs (NM_001257342.2, NM_001257343.2, NM_001257344.2 and 10 more transcripts); c.336del, p.Gly113fs (NM_001318836.2, NM_001371451.1); c.195del, p.Gly66fs (NM_001371452.1, NM_001371453.1, NM_001371454.1 and 3 more transcripts); short protein forms G113fs, G233fs, G66fs.
Identifiers: ClinVar variation 1028218 (VCV001028218.15), dbSNP rs775388576, ClinGen allele CA2109729.
Genomic context (GRCh38, chr2:218,662,236, plus strand): 5'-TCATCCTGGCTCTATCCCTAGGCATTCCTTACAGACGTGGCTACCTGCTTTATGGGCCCC[CT>C]GGTTGCGGAAAGAGCAGTTTTATGTGAGTATTCAAAATTTCTCTCAACTTGGCAAAACGA-3'